The following is an entry in ClinVar:

NM_001004334.4(GPR179):c.2312C>T (p.Ser771Phe)

Gene: GPR179 (G protein-coupled receptor 179; minus strand). Cytogenetic location: 17q12.
Variant type: single nucleotide variant.
Coding change: c.2312C>T on transcript NM_001004334.4 (MANE Select); coding-DNA position 2312, C replaced by T.
Protein change: p.Ser771Phe; replaces serine 771 with phenylalanine.
Molecular consequence: missense variant.
Genome position (GRCh38, 1-based): chr17:38,331,257, G>A on the plus strand (C>T on the coding strand, the complement: GPR179 is on the minus strand). VCF-style: chr17-38331257-G-A. GRCh37 (hg19) VCF-style: chr17-36487140-G-A.
Other names: c.2312C>T (NM_001004334.2); short protein forms S771F.
Identifiers: ClinVar variation 1907840 (VCV001907840.5), dbSNP rs80149976, ClinGen allele CA290105952.
Genomic context (GRCh38, chr17:38,331,257, plus strand): 5'-CTCAGCAGTGAGTCAAGAAGAGGCGGGTCCTGCTCCCTGCGCTGGTCATAGGTGCTGCGG[G>A]ACTTGTGCAGAGCTGGTGTCCCCTCGGGTTCCTGGAGGCTGGAGCTGAGGAGCCGGCGGC-3'
Protein context (NP_001004334.3, residues 761-781): EPEGTPALHK[Ser771Phe]RSTYDQRREQ

ClinVar aggregate classification (germline): Uncertain significance. Review status: criteria provided, multiple submitters, no conflicts (2 of 4 stars). 2 submissions from 2 submitters: Uncertain significance (2). Last evaluated 2024-08-12.

Conditions:
Inborn genetic diseases. Identifiers: MedGen C0950123, MeSH D030342.

Allele frequency attached by ClinVar (database versions not stated): TOPMed 0.00003; gnomAD 0.00004; ExAC 0.00006; 1000 Genomes Project 30x 0.00016; 1000 Genomes Project 0.00020.
gnomAD v4.1: 77 of 1,589,406 alleles (0.0048%); highest among the groups gnomAD compares: Non-Finnish European, 0.0064%; no homozygotes.

Submissions (2):

Ambry Genetics
Classification: Uncertain significance for Inborn genetic diseases. Last evaluated: 2024-08-12. Review status: criteria provided, single submitter. Criteria: Ambry Variant Classification Scheme 2023. Collection method: clinical testing. Allele origin: germline.

Labcorp Genetics (formerly Invitae), Labcorp
Classification: Uncertain significance. Last evaluated: 2024-05-21. Review status: criteria provided, single submitter. Criteria: Invitae Variant Classification Sherloc (09022015). Collection method: clinical testing. Allele origin: germline.
Comment: This sequence change replaces serine, which is neutral and polar, with phenylalanine, which is neutral and non-polar, at codon 771 of the GPR179 protein (p.Ser771Phe). This variant is present in population databases (rs80149976, gnomAD 0.008%). This variant has not been reported in the literature in individuals affected with GPR179-related conditions. ClinVar contains an entry for this variant (Variation ID: 1907840). An algorithm developed to predict the effect of missense changes on protein structure and function (PolyPhen-2) suggests that this variant is likely to be disruptive. In summary, the available evidence is currently insufficient to determine the role of this variant in disease. Therefore, it has been classified as a Variant of Uncertain Significance.